The following is an entry in ClinVar:

ClinVar aggregate classification (germline): Benign/Likely benign. Review status: criteria provided, multiple submitters, no conflicts (2 of 4 stars). 8 submissions from 8 submitters: Benign (5); Likely benign (2). 1 of the submissions does not count toward it. Last evaluated 2026-07-22.

Conditions:
GALNS-related disorder. Also called: GALNS-related condition.
Mucopolysaccharidosis, MPS-IV-A (MPS4A). Also called: mucopolysaccharidosis type 4A; MPS IVA; MORQUIO SYNDROME A; GALACTOSAMINE-6-SULFATASE DEFICIENCY; GALNS DEFICIENCY; MORQUIO A DISEASE. Identifiers: Orphanet 309297, Orphanet 582, MedGen C0086651, MONDO:0009659, OMIM 253000.

Allele frequency attached by ClinVar (database versions not stated): 1000 Genomes Project 0.00300; 1000 Genomes Project 30x 0.00344; gnomAD 0.00774 and 0.00855; TOPMed 0.00827; ESP Exome Variant Server 0.00946.
gnomAD v4.1: 19,649 of 1,614,158 alleles (1.2%); highest among the groups gnomAD compares: Non-Finnish European, 1.5%; 167 homozygotes.

Submissions (8):

PreventionGenetics, part of Exact Sciences
Classification: Benign for GALNS-related condition. Last evaluated: 2026-07-22. Review status: criteria provided, single submitter. Criteria: ACMG Guidelines, 2015. Collection method: clinical testing. Allele origin: germline.
Comment: This variant is classified as benign based on ACMG/AMP sequence variant interpretation guidelines (Richards et al. 2015 PMID: 25741868, with internal and published modifications).

Labcorp Genetics (formerly Invitae), Labcorp
Classification: Benign for Mucopolysaccharidosis, MPS-IV-A. Last evaluated: 2026-01-28. Review status: criteria provided, single submitter. Criteria: Invitae Variant Classification Sherloc (09022015). Collection method: clinical testing. Allele origin: germline.

CeGaT Center for Human Genetics Tuebingen
Classification: Benign. Last evaluated: 2024-07-01. Review status: criteria provided, single submitter. Criteria: CeGaT Center For Human Genetics Tuebingen Variant Classification Criteria Version 2. Collection method: clinical testing. Allele origin: germline. Affected: yes. Observed: 5 variant alleles.
Comment: GALNS: BP4, BP7, BS1, BS2

Genome-Nilou Lab
Classification: Benign for Mucopolysaccharidosis, MPS-IV-A. Last evaluated: 2021-11-07. Review status: criteria provided, single submitter. Criteria: ACMG Guidelines, 2015. Collection method: clinical testing. Allele origin: germline. Affected: no.

Illumina Laboratory Services, Illumina
Classification: Likely benign for Mucopolysaccharidosis, MPS-IV-A. Last evaluated: 2018-01-12. Review status: criteria provided, single submitter. Criteria: ICSL Variant Classification Criteria 13 December 2019. Collection method: clinical testing. Allele origin: germline.
Comment: This variant was observed in the ICSL laboratory as part of a predisposition screen in an ostensibly healthy population. It had not been previously curated by ICSL or reported in the Human Gene Mutation Database (HGMD: prior to June 1st, 2018), and was therefore a candidate for classification through an automated scoring system. Utilizing variant allele frequency, disease prevalence and penetrance estimates, and inheritance mode, an automated score was calculated to assess if this variant is too frequent to cause the disease. Based on the score and internal cut-off values, a variant classified as likely benign is not then subjected to further curation. The score for this variant resulted in a classification of likely benign for this disease.

Eurofins Ntd Llc (ga)
Classification: Benign. Last evaluated: 2015-06-25. Review status: criteria provided, single submitter. Criteria: EGL Classification Definitions 2015. Collection method: clinical testing. Allele origin: germline. Observed: 2 variant alleles, 2 heterozygotes.

Breakthrough Genomics
Classification: Likely benign. Review status: criteria provided, single submitter. Criteria: ACMG Guidelines, 2015. Collection method: not provided. Allele origin: germline. Inheritance: Autosomal recessive inheritance. Affected: yes.

Mayo Clinic Laboratories, Mayo Clinic
Classification: Likely benign. Last evaluated: 2017-08-16. Review status: no assertion criteria provided. Collection method: clinical testing. Allele origin: unknown. Not counted in ClinVar's aggregate classification.

NM_000512.5(GALNS):c.723C>T (p.Ala241=)

Gene: GALNS (galactosamine (N-acetyl)-6-sulfatase; minus strand). Cytogenetic location: 16q24.3.
Variant type: single nucleotide variant.
Coding change: c.723C>T on transcript NM_000512.5 (MANE Select); coding-DNA position 723, C replaced by T.
Protein change: p.Ala241=; no amino-acid change (alanine 241 retained).
Molecular consequence: synonymous variant.
Genome position (GRCh38, 1-based): chr16:88,835,760, G>A on the plus strand (C>T on the coding strand, the complement: GALNS is on the minus strand). VCF-style: chr16-88835760-G-A. GRCh37 (hg19) VCF-style: chr16-88902168-G-A.
Other names: c.168C>T, p.Ala56= (NM_001323543.2); c.741C>T, p.Ala247= (NM_001323544.2).
Identifiers: ClinVar variation 256335 (VCV000256335.55), dbSNP rs117053987, ClinGen allele CA8235013.